The following is an entry in ClinVar:

NM_004260.4(RECQL4):c.136C>A (p.Arg46Ser)

Genes: RECQL4 (RecQ like helicase 4; minus strand), LOC130001411 (ATAC-STARR-seq lymphoblastoid silent region 19699; plus strand). Cytogenetic location: 8q24.3.
Variant type: single nucleotide variant.
Coding change: c.136C>A on transcript NM_004260.4 (MANE Select); coding-DNA position 136, C replaced by A.
Protein change: p.Arg46Ser; replaces arginine 46 with serine.
Molecular consequence: missense variant.
Genome position (GRCh38, 1-based): chr8:144,517,491, G>T on the plus strand (C>A on the coding strand, the complement: RECQL4 is on the minus strand). VCF-style: chr8-144517491-G-T. GRCh37 (hg19) VCF-style: chr8-145742875-G-T.
Other names: short protein forms R46S.
Identifiers: ClinVar variation 578326 (VCV000578326.9), dbSNP rs1268307700, ClinGen allele CA372692746.

ClinVar aggregate classification (germline): Uncertain significance. Review status: criteria provided, multiple submitters, no conflicts (2 of 4 stars). 2 submissions from 2 submitters: Uncertain significance (2). Last evaluated 2025-09-15.

Conditions:
Inborn genetic diseases. Identifiers: MedGen C0950123, MeSH D030342.
Baller-Gerold syndrome (BGS). Also called: CRANIOSYNOSTOSIS WITH RADIAL DEFECTS. Identifiers: Orphanet 1225, MedGen C0265308, MONDO:0009039, OMIM 218600.

Allele frequency attached by ClinVar (database versions not stated): gnomAD 0.00001.
gnomAD v4.1: 3 of 1,596,654 alleles (0.00019%); highest among the groups gnomAD compares: Admixed American, 0.0017%; no homozygotes.

Submissions (2):

Labcorp Genetics (formerly Invitae), Labcorp
Classification: Uncertain significance for Baller-Gerold syndrome. Last evaluated: 2025-09-15. Review status: criteria provided, single submitter. Criteria: Invitae Variant Classification Sherloc (09022015). Collection method: clinical testing. Allele origin: germline.
Comment: This sequence change replaces arginine, which is basic and polar, with serine, which is neutral and polar, at codon 46 of the RECQL4 protein (p.Arg46Ser). The frequency data for this variant in the population databases is considered unreliable, as metrics indicate poor data quality at this position in the gnomAD database. This variant has not been reported in the literature in individuals affected with RECQL4-related conditions. ClinVar contains an entry for this variant (Variation ID: 578326). Experimental studies and prediction algorithms are not available or were not evaluated, and the functional significance of this variant is currently unknown. In summary, the available evidence is currently insufficient to determine the role of this variant in disease. Therefore, it has been classified as a Variant of Uncertain Significance.

Ambry Genetics
Classification: Uncertain significance for Inborn genetic diseases. Last evaluated: 2024-10-05. Review status: criteria provided, single submitter. Criteria: Ambry Variant Classification Scheme 2023. Collection method: clinical testing. Allele origin: germline.
Comment: The p.R46S variant (also known as c.136C>A), located in coding exon 3 of the RECQL4 gene, results from a C to A substitution at nucleotide position 136. The arginine at codon 46 is replaced by serine, an amino acid with dissimilar properties. This amino acid position is conserved. In addition, this alteration is predicted to be tolerated by in silico analysis. Based on the available evidence, the clinical significance of this variant remains unclear.